The following is an entry in ClinVar:

NM_021625.5(TRPV4):c.384A>G (p.Ile128Met)

Gene: TRPV4 (transient receptor potential cation channel subfamily V member 4; minus strand). Cytogenetic location: 12q24.11.
Variant type: single nucleotide variant.
Coding change: c.384A>G on transcript NM_021625.5 (MANE Select); coding-DNA position 384, A replaced by G.
Protein change: p.Ile128Met; replaces isoleucine 128 with methionine.
Molecular consequence: missense variant.
Genome position (GRCh38, 1-based): chr12:109,814,413, T>C on the plus strand (A>G on the coding strand, the complement: TRPV4 is on the minus strand). VCF-style: chr12-109814413-T-C. GRCh37 (hg19) VCF-style: chr12-110252218-T-C.
Other names: c.384A>G, p.Ile128Met (NM_001177428.2, NM_001177433.2, NM_147204.3); c.282A>G, p.Ile94Met (NM_001177431.2); short protein forms I128M, I94M.
Identifiers: ClinVar variation 1056661 (VCV001056661.10), dbSNP rs1891728218, ClinGen allele CA386659403.
Genomic context (GRCh38, chr12:109,814,413, plus strand): 5'-GAATGGGTGAATGGATACAGAGGAGGAGACCACAGGCCAGGAAGCTAACAATACTCACTC[T>C]ATGATCTTCTTCCTCCACCTCTTGTTGTCACTGGAGTGGTGACGATAGGTGCCGTAGTCA-3'
Protein context (NP_067638.3, residues 118-138): SDNKRWRKKI[Ile128Met]EKQPQSPKAP

ClinVar aggregate classification (germline): Uncertain significance (1 of 4 stars; one submission).

Conditions:
Charcot-Marie-Tooth disease axonal type 2C (HMSN2C). Also called: Charcot-Marie-Tooth Disease Type 2, TRPV4-Related (CMT2C); CHARCOT-MARIE-TOOTH DISEASE, AXONAL, AUTOSOMAL DOMINANT, TYPE 2C; Charcot-Marie-Tooth Neuropathy Type 2C. Identifiers: Orphanet 99937, MedGen C1853710, MONDO:0011633, OMIM 606071.

Allele frequency attached by ClinVar (database versions not stated): gnomAD 0.00001.

Submission:

Labcorp Genetics (formerly Invitae), Labcorp
Classification: Uncertain significance for Charcot-Marie-Tooth disease axonal type 2C. Last evaluated: 2023-08-30. Review status: criteria provided, single submitter. Criteria: Invitae Variant Classification Sherloc (09022015). Collection method: clinical testing. Allele origin: germline.
Comment: In summary, the available evidence is currently insufficient to determine the role of this variant in disease. Therefore, it has been classified as a Variant of Uncertain Significance. Algorithms developed to predict the effect of missense changes on protein structure and function output the following: SIFT: "Not Available"; PolyPhen-2: "Benign"; Align-GVGD: "Not Available". The methionine amino acid residue is found in multiple mammalian species, which suggests that this missense change does not adversely affect protein function. ClinVar contains an entry for this variant (Variation ID: 1056661). This variant has not been reported in the literature in individuals affected with TRPV4-related conditions. This variant is not present in population databases (gnomAD no frequency). This sequence change replaces isoleucine, which is neutral and non-polar, with methionine, which is neutral and non-polar, at codon 128 of the TRPV4 protein (p.Ile128Met).